The following is an entry in ClinVar:

ClinVar aggregate classification (germline): Uncertain significance. Review status: criteria provided, multiple submitters, no conflicts (2 of 4 stars). 3 submissions from 3 submitters: Uncertain significance (3). Last evaluated 2022-08-31.

Conditions:
MEGF10-related myopathy (CMYO10A). Also called: Congenital myopathy 10A, severe variant. Identifiers: Orphanet 439212, MedGen C3280679, MONDO:0013731, OMIM 614399.

Allele frequency attached by ClinVar (database versions not stated): TOPMed below 0.00001; gnomAD 0.00001; gnomAD exomes 0.00001; ExAC 0.00002; 1000 Genomes Project 30x 0.00016.
gnomAD v4.1: 18 of 1,614,046 alleles (0.0011%); highest among the groups gnomAD compares: East Asian, 0.0022%; no homozygotes.

Submissions (3):

Labcorp Genetics (formerly Invitae), Labcorp
Classification: Uncertain significance for MEGF10-related myopathy. Last evaluated: 2022-08-31. Review status: criteria provided, single submitter. Criteria: Invitae Variant Classification Sherloc (09022015). Collection method: clinical testing. Allele origin: germline.
Comment: In summary, the available evidence is currently insufficient to determine the role of this variant in disease. Therefore, it has been classified as a Variant of Uncertain Significance. Algorithms developed to predict the effect of missense changes on protein structure and function (SIFT, PolyPhen-2, Align-GVGD) all suggest that this variant is likely to be disruptive. ClinVar contains an entry for this variant (Variation ID: 1163841). This variant has not been reported in the literature in individuals affected with MEGF10-related conditions. This variant is present in population databases (rs748641801, gnomAD 0.004%). This sequence change replaces arginine, which is basic and polar, with cysteine, which is neutral and slightly polar, at codon 177 of the MEGF10 protein (p.Arg177Cys).

GeneDx
Classification: Uncertain significance. Last evaluated: 2022-07-19. Review status: criteria provided, single submitter. Criteria: GeneDx Variant Classification Process June 2021. Collection method: clinical testing. Allele origin: germline. Affected: yes.
Comment: Not observed at significant frequency in large population cohorts (gnomAD); In silico analysis supports that this missense variant has a deleterious effect on protein structure/function; Has not been previously published as pathogenic or benign to our knowledge

Mayo Clinic Laboratories, Mayo Clinic
Classification: Uncertain significance. Last evaluated: 2021-02-17. Review status: criteria provided, single submitter. Criteria: ACMG Guidelines, 2015. Collection method: clinical testing. Allele origin: germline. Observed: 1 variant allele.

NM_001256545.2(MEGF10):c.529C>T (p.Arg177Cys)

Gene: MEGF10 (multiple EGF like domains 10; plus strand). Cytogenetic location: 5q23.2.
Variant type: single nucleotide variant.
Coding change: c.529C>T on transcript NM_001256545.2 (MANE Select); coding-DNA position 529, C replaced by T.
Protein change: p.Arg177Cys; replaces arginine 177 with cysteine.
Molecular consequence: missense variant.
Genome position (GRCh38, 1-based): chr5:127,396,648, C>T. VCF-style: chr5-127396648-C-T. GRCh37 (hg19) VCF-style: chr5-126732340-C-T.
Other names: c.529C>T, p.Arg177Cys (NM_001308119.2, NM_001308121.2, NM_032446.3); short protein forms R177C.
Identifiers: ClinVar variation 1163841 (VCV001163841.13), dbSNP rs748641801, ClinGen allele CA3391315.